The following is an entry in ClinVar:

NM_001035.3(RYR2):c.13443G>A (p.Trp4481Ter)

Gene: RYR2 (ryanodine receptor 2; plus strand). Cytogenetic location: 1q43.
Variant type: single nucleotide variant.
Coding change: c.13443G>A on transcript NM_001035.3 (MANE Select); coding-DNA position 13443, G replaced by A.
Protein change: p.Trp4481Ter; replaces tryptophan 4481 with a stop codon.
Molecular consequence: nonsense.
Genome position (GRCh38, 1-based): chr1:237,788,102, G>A. VCF-style: chr1-237788102-G-A. GRCh37 (hg19) VCF-style: chr1-237951402-G-A.
Other names: short protein forms W4481*.
Identifiers: ClinVar variation 3722949 (VCV003722949.2).
Genomic context (GRCh38, chr1:237,788,102, plus strand): 5'-GTTGAGGCAGCTTCACACACACAGATACGGAGAACCAGAAGTGCCAGAGTCAGCATTCTG[G>A]AAGAAAATCATAGCATATCAACAGAAACTTCTAGTAAGATGTTTTAGAATGAATATTGTT-3'

ClinVar aggregate classification (germline): Uncertain significance (1 of 4 stars; one submission).

Conditions:
Catecholaminergic polymorphic ventricular tachycardia 1. Also called: VENTRICULAR TACHYCARDIA, STRESS-INDUCED POLYMORPHIC 1; VENTRICULAR TACHYCARDIA, CATECHOLAMINERGIC POLYMORPHIC, 1, WITH OR WITHOUT ATRIAL DYSFUNCTION AND/OR DILATED CARDIOMYOPATHY; RYR2-Related Catecholaminergic Polymorphic Ventricular Tachycardia. Identifiers: Orphanet 3286, MedGen C1631597, MONDO:0011484, OMIM 604772.

Submission:

Labcorp Genetics (formerly Invitae), Labcorp
Classification: Uncertain significance for Catecholaminergic polymorphic ventricular tachycardia 1. Last evaluated: 2024-10-15. Review status: criteria provided, single submitter. Criteria: Invitae Variant Classification Sherloc (09022015). Collection method: clinical testing. Allele origin: germline.
Comment: This sequence change creates a premature translational stop signal (p.Trp4481*) in the RYR2 gene. It is expected to result in an absent or disrupted protein product. However, the current clinical and genetic evidence is not sufficient to establish whether loss-of-function variants in RYR2 cause disease. This variant is not present in population databases (gnomAD no frequency). This variant has not been reported in the literature in individuals affected with RYR2-related conditions. In summary, the available evidence is currently insufficient to determine the role of this variant in disease. Therefore, it has been classified as a Variant of Uncertain Significance.